The following is an entry in ClinVar:

ClinVar aggregate classification (germline): Benign/Likely benign. Review status: criteria provided, multiple submitters, no conflicts (2 of 4 stars). 4 submissions from 4 submitters: Benign (2); Likely benign (2). Last evaluated 2024-02-19.

Allele frequency attached by ClinVar (database versions not stated): gnomAD 0.00074; ESP Exome Variant Server 0.00108; TOPMed 0.00117; 1000 Genomes Project 30x 0.00156; 1000 Genomes Project 0.00160.
gnomAD v4.1: 337 of 1,601,922 alleles (0.021%); highest among the groups gnomAD compares: African/African-American, 0.36%; no homozygotes.

Submissions (4):

Blueprint Genetics
Classification: Likely benign. Last evaluated: 2024-02-19. Review status: criteria provided, single submitter. Criteria: ACMG Guidelines, 2015. Collection method: clinical testing. Allele origin: germline.

GeneDx
Classification: Likely benign. Last evaluated: 2021-05-06. Review status: criteria provided, single submitter. Criteria: GeneDx Variant Classification Process June 2021. Collection method: clinical testing. Allele origin: germline. Affected: yes.

Labcorp Genetics (formerly Invitae), Labcorp
Classification: Benign. Last evaluated: 2018-03-29. Review status: criteria provided, single submitter. Criteria: Invitae Variant Classification Sherloc (09022015). Collection method: clinical testing. Allele origin: germline.

Laboratory for Molecular Medicine, Mass General Brigham Personalized Medicine
Classification: Benign. Last evaluated: 2012-05-07. Review status: criteria provided, single submitter. Criteria: LMM Criteria. Collection method: clinical testing. Allele origin: germline. Observed: 2 variant alleles.
Comment: "Asp544Asp in Exon 18 of USH1C: This variant is not expected to have clinical si gnificance because it does not alter an amino acid residue, is not located withi n the splice consensus sequence, and has been identified in 0.3% (13/3738) of Af rican American chromosomes from a broad population by the NHLBI Exome Sequencing Project (dbSNP rs142545736)."

NM_153676.4(USH1C):c.1632C>T (p.Asp544=)

Gene: USH1C (USH1 protein network component harmonin; minus strand). Cytogenetic location: 11p15.1.
Variant type: single nucleotide variant.
Coding change: c.1632C>T on transcript NM_153676.4 (MANE Select); coding-DNA position 1632, C replaced by T.
Protein change: p.Asp544=; no amino-acid change (aspartic acid 544 retained).
Molecular consequence: synonymous variant. On other transcripts: intron variant (2).
Genome position (GRCh38, 1-based): chr11:17,509,737, G>A on the plus strand (C>T on the coding strand, the complement: USH1C is on the minus strand). VCF-style: chr11-17509737-G-A. GRCh37 (hg19) VCF-style: chr11-17531284-G-A.
Other names: c.1227+7664C>T (NM_001297764.2); c.1284+7664C>T (NM_005709.4).
Identifiers: ClinVar variation 166380 (VCV000166380.11), dbSNP rs142545736, ClinGen allele CA179474.